The following is an entry in ClinVar:

ClinVar aggregate classification (germline): Uncertain significance. Review status: criteria provided, multiple submitters, no conflicts (2 of 4 stars). 3 submissions from 3 submitters: Uncertain significance (3). Last evaluated 2023-05-05.

Conditions:
Inborn genetic diseases. Identifiers: MedGen C0950123, MeSH D030342.
Combined immunodeficiency due to LRBA deficiency. Also called: Common variable immunodeficiency 8, with autoimmunity. Identifiers: Orphanet 445018, MedGen C3553512, MONDO:0013863, OMIM 614700.

gnomAD v4.1: 9 of 1,613,444 alleles (0.00056%); highest among the groups gnomAD compares: Non-Finnish European, 0.00076%; no homozygotes.

Submissions (3):

Ambry Genetics
Classification: Uncertain significance for Inborn genetic diseases. Last evaluated: 2023-05-05. Review status: criteria provided, single submitter. Criteria: Ambry Variant Classification Scheme 2023. Collection method: clinical testing. Allele origin: germline.

Revvity Omics, Revvity
Classification: Uncertain significance for Combined immunodeficiency due to LRBA deficiency. Last evaluated: 2021-02-25. Review status: criteria provided, single submitter. Criteria: ACMG Guidelines, 2015. Collection method: clinical testing. Allele origin: germline.

Labcorp Genetics (formerly Invitae), Labcorp
Classification: Uncertain significance for Combined immunodeficiency due to LRBA deficiency. Last evaluated: 2020-09-09. Review status: criteria provided, single submitter. Criteria: Invitae Variant Classification Sherloc (09022015). Collection method: clinical testing. Allele origin: germline.
Comment: This sequence change replaces alanine with threonine at codon 627 of the LRBA protein (p.Ala627Thr). The alanine residue is weakly conserved and there is a small physicochemical difference between alanine and threonine. This variant is not present in population databases (ExAC no frequency). This variant has not been reported in the literature in individuals with LRBA-related conditions. Algorithms developed to predict the effect of missense changes on protein structure and function output the following: SIFT: "Tolerated"; PolyPhen-2: "Benign"; Align-GVGD: "Class C0". The threonine amino acid residue is found in multiple mammalian species, suggesting that this missense change does not adversely affect protein function. These predictions have not been confirmed by published functional studies and their clinical significance is uncertain. In summary, the available evidence is currently insufficient to determine the role of this variant in disease. Therefore, it has been classified as a Variant of Uncertain Significance.

NM_001364905.1(LRBA):c.1879G>A (p.Ala627Thr)

Gene: LRBA (LPS responsive beige-like anchor protein; minus strand). Cytogenetic location: 4q31.3.
Variant type: single nucleotide variant.
Coding change: c.1879G>A on transcript NM_001364905.1 (MANE Select); coding-DNA position 1879, G replaced by A.
Protein change: p.Ala627Thr; replaces alanine 627 with threonine.
Molecular consequence: missense variant.
Genome position (GRCh38, 1-based): chr4:150,900,094, C>T on the plus strand (G>A on the coding strand, the complement: LRBA is on the minus strand). VCF-style: chr4-150900094-C-T. GRCh37 (hg19) VCF-style: chr4-151821246-C-T.
Other names: c.1879G>A, p.Ala627Thr (NM_001199282.3, NM_001367550.1, NM_006726.5); short protein forms A627T.
Identifiers: ClinVar variation 946540 (VCV000946540.12), dbSNP rs550423754, ClinGen allele CA107816323.